The following is an entry in ClinVar:

ClinVar aggregate classification (germline): Likely pathogenic (1 of 4 stars; one submission).

Conditions:
Hereditary breast ovarian cancer syndrome. Also called: Hereditary breast and ovarian cancer syndrome (HBOC); Breast and ovarian cancer; Hereditary breast and/or ovarian cancer syndrome; Hereditary breast and ovarian cancer; BRCA1- and BRCA2-Associated Hereditary Breast and Ovarian Cancer; Hereditary breast and ovarian cancer syndrome. Identifiers: Orphanet 145, MedGen C0677776, MeSH D061325, MONDO:0003582. Disease mechanism: loss of function.

Submission:

Women's Health and Genetics/Laboratory Corporation of America, LabCorp
Classification: Likely pathogenic for Hereditary breast ovarian cancer syndrome. Last evaluated: 2023-01-09. Review status: criteria provided, single submitter. Criteria: LabCorp Variant Classification Summary - May 2015. Collection method: clinical testing. Allele origin: germline.
Comment: Variant summary: BRCA2 c.3189delG (p.Gln1063HisfsX14) results in a premature termination codon, predicted to cause a truncation of the encoded protein or absence of the protein due to nonsense mediated decay, which are commonly known mechanisms for disease. Truncations downstream of this position have been classified as pathogenic by our laboratory. The variant was absent in 247142 control chromosomes. To our knowledge, no occurrence of c.3189delG in individuals affected with Hereditary Breast And Ovarian Cancer Syndrome and no experimental evidence demonstrating its impact on protein function have been reported. No clinical diagnostic laboratories have submitted clinical-significance assessments for this variant to ClinVar after 2014. Based on the evidence outlined above, the variant was classified as likely pathogenic.

NM_000059.4(BRCA2):c.3189del (p.Gln1063fs)

Gene: BRCA2 (BRCA2 DNA repair associated; plus strand). Cytogenetic location: 13q13.1.
Variant type: Deletion.
Coding change: c.3189del on transcript NM_000059.4 (MANE Select); coding-DNA position 3189, one base deleted (G; older notation c.3189delG).
Protein change: p.Gln1063fs; shifts the reading frame from glutamine 1063.
Molecular consequence: frameshift variant.
Genome position (GRCh38, 1-based): chr13:32,337,544, G deleted. VCF-style (leftmost placement, unchanged base first): chr13-32337543-AG-A. GRCh37 (hg19) VCF-style: chr13-32911680-AG-A.
Other names: c.3189delG, p.Gln1063Hisfs (NM_001406719.1, NM_001406720.1); short protein forms Q1063fs.
Identifiers: ClinVar variation 2429268 (VCV002429268.5), dbSNP rs2548525417, ClinGen allele CA2580087051.